The following is an entry in ClinVar:

NM_001271.4(CHD2):c.2842C>T (p.Arg948Trp)

Gene: CHD2 (chromodomain helicase DNA binding protein 2; plus strand). Cytogenetic location: 15q26.1.
Variant type: single nucleotide variant.
Coding change: c.2842C>T on transcript NM_001271.4 (MANE Select); coding-DNA position 2842, C replaced by T.
Protein change: p.Arg948Trp; replaces arginine 948 with tryptophan.
Molecular consequence: missense variant.
Genome position (GRCh38, 1-based): chr15:92,979,249, C>T. VCF-style: chr15-92979249-C-T. GRCh37 (hg19) VCF-style: chr15-93522479-C-T.
Other names: short protein forms R948W.
Identifiers: ClinVar variation 3636681 (VCV003636681.2).

ClinVar aggregate classification (germline): Uncertain significance (1 of 4 stars; one submission).

Conditions:
Developmental and epileptic encephalopathy 94 (DEE94). Also called: Epileptic encephalopathy, childhood-onset; CHD2-Related Neurodevelopmental Disorders. Identifiers: Orphanet 1942, Orphanet 2382, MedGen C3809278, MONDO:0014150, OMIM 615369.

gnomAD v4.1: 3 of 1,613,930 alleles (0.00019%); highest among the groups gnomAD compares: Non-Finnish European, 0.00025%; no homozygotes.

Submission:

Labcorp Genetics (formerly Invitae), Labcorp
Classification: Uncertain significance for Developmental and epileptic encephalopathy 94. Last evaluated: 2024-10-05. Review status: criteria provided, single submitter. Criteria: Invitae Variant Classification Sherloc (09022015). Collection method: clinical testing. Allele origin: germline.
Comment: This sequence change replaces arginine, which is basic and polar, with tryptophan, which is neutral and slightly polar, at codon 948 of the CHD2 protein (p.Arg948Trp). This variant is not present in population databases (gnomAD no frequency). This variant has not been reported in the literature in individuals affected with CHD2-related conditions. Invitae Evidence Modeling of protein sequence and biophysical properties (such as structural, functional, and spatial information, amino acid conservation, physicochemical variation, residue mobility, and thermodynamic stability) has been performed for this missense variant. However, the output from this modeling did not meet the statistical confidence thresholds required to predict the impact of this variant on CHD2 protein function. In summary, the available evidence is currently insufficient to determine the role of this variant in disease. Therefore, it has been classified as a Variant of Uncertain Significance.